The following is an entry in ClinVar:

NM_001035.3(RYR2):c.14083T>C (p.Ser4695Pro)

Gene: RYR2 (ryanodine receptor 2; plus strand). Cytogenetic location: 1q43.
Variant type: single nucleotide variant.
Coding change: c.14083T>C on transcript NM_001035.3 (MANE Select); coding-DNA position 14083, T replaced by C.
Protein change: p.Ser4695Pro; replaces serine 4695 with proline.
Molecular consequence: missense variant.
Genome position (GRCh38, 1-based): chr1:237,798,163, T>C. VCF-style: chr1-237798163-T-C. GRCh37 (hg19) VCF-style: chr1-237961463-T-C.
Other names: short protein forms S4695P.
Identifiers: ClinVar variation 1771941 (VCV001771941.7), dbSNP rs1239528608, ClinGen allele CA345420110.

ClinVar aggregate classification (germline): Uncertain significance. Review status: criteria provided, multiple submitters, no conflicts (2 of 4 stars). 2 submissions from 2 submitters: Uncertain significance (2). Last evaluated 2022-09-24.

Conditions:
Cardiovascular phenotype. Identifiers: MedGen CN230736.
Catecholaminergic polymorphic ventricular tachycardia 1. Also called: VENTRICULAR TACHYCARDIA, CATECHOLAMINERGIC POLYMORPHIC, 1, WITH OR WITHOUT ATRIAL DYSFUNCTION AND/OR DILATED CARDIOMYOPATHY; VENTRICULAR TACHYCARDIA, STRESS-INDUCED POLYMORPHIC 1; RYR2-Related Catecholaminergic Polymorphic Ventricular Tachycardia. Identifiers: Orphanet 3286, MedGen C1631597, MONDO:0011484, OMIM 604772.

Allele frequency attached by ClinVar (database versions not stated): TOPMed below 0.00001; gnomAD exomes 0.00001.
gnomAD v4.1: 10 of 1,612,662 alleles (0.00062%); highest among the groups gnomAD compares: South Asian, 0.0011%; no homozygotes.

Submissions (2):

Labcorp Genetics (formerly Invitae), Labcorp
Classification: Uncertain significance for Catecholaminergic polymorphic ventricular tachycardia 1. Last evaluated: 2022-09-24. Review status: criteria provided, single submitter. Criteria: Invitae Variant Classification Sherloc (09022015). Collection method: clinical testing. Allele origin: germline.
Comment: In summary, the available evidence is currently insufficient to determine the role of this variant in disease. Therefore, it has been classified as a Variant of Uncertain Significance. Advanced modeling of protein sequence and biophysical properties (such as structural, functional, and spatial information, amino acid conservation, physicochemical variation, residue mobility, and thermodynamic stability) performed at Invitae indicates that this missense variant is not expected to disrupt RYR2 protein function. This variant has not been reported in the literature in individuals affected with RYR2-related conditions. This variant is present in population databases (no rsID available, gnomAD 0.0009%). This sequence change replaces serine, which is neutral and polar, with proline, which is neutral and non-polar, at codon 4695 of the RYR2 protein (p.Ser4695Pro).

Ambry Genetics
Classification: Uncertain significance for Cardiovascular phenotype. Last evaluated: 2020-09-28. Review status: criteria provided, single submitter. Criteria: Ambry Variant Classification Scheme 2023. Collection method: clinical testing. Allele origin: germline.
Comment: The p.S4695P variant (also known as c.14083T>C), located in coding exon 97 of the RYR2 gene, results from a T to C substitution at nucleotide position 14083. The serine at codon 4695 is replaced by proline, an amino acid with similar properties. This amino acid position is not well conserved in available vertebrate species. In addition, the in silico prediction for this alteration is inconclusive. Since supporting evidence is limited at this time, the clinical significance of this alteration remains unclear.